The following is an entry in ClinVar:

ClinVar aggregate classification (germline): Conflicting classifications of pathogenicity. Review status: criteria provided, conflicting classifications (1 of 4 stars). 6 submissions from 6 submitters: Uncertain significance (3); Benign (1); Likely benign (2). Last evaluated 2026-03-30.

Conditions:
KMT2D-related disorder. Also called: KMT2D-Related Disorders.
Inborn genetic diseases. Identifiers: MedGen C0950123, MeSH D030342.
Kabuki syndrome. Also called: NIIKAWA-KUROKI SYNDROME; Kabuki make-up syndrome. Identifiers: Orphanet 2322, MedGen C0796004, MONDO:0016512.

Allele frequency attached by ClinVar (database versions not stated): gnomAD 0.00016; TOPMed 0.00022; ESP Exome Variant Server 0.00024.
gnomAD v4.1: 97 of 1,613,916 alleles (0.006%); highest among the groups gnomAD compares: African/African-American, 0.077%; no homozygotes.

Submissions (6):

PreventionGenetics, part of Exact Sciences
Classification: Uncertain significance for KMT2D-related condition. Last evaluated: 2026-03-30. Review status: criteria provided, single submitter. Criteria: ACMG Guidelines, 2015. Collection method: clinical testing. Allele origin: germline.
Comment: The KMT2D c.1010C>T variant is predicted to result in the amino acid substitution p.Ser337Leu. This variant has been reported in studies of individuals with Kabuki syndrome (Table S3, Banka et al. 2012. PubMed ID: 22126750; Table S3-1, Faundes et al. 2018. PubMed ID: 30459467). This variant is reported in 0.050% of alleles in individuals of African descent in gnomAD, which may be too common to be causative of disease. Although we suspect that this variant may be benign, at this time, the clinical significance of this variant is uncertain due to the absence of conclusive functional and genetic evidence.

Labcorp Genetics (formerly Invitae), Labcorp
Classification: Benign for Kabuki syndrome. Last evaluated: 2025-12-16. Review status: criteria provided, single submitter. Criteria: Invitae Variant Classification Sherloc (09022015). Collection method: clinical testing. Allele origin: germline.

CeGaT Center for Human Genetics Tuebingen
Classification: Uncertain significance. Last evaluated: 2023-01-01. Review status: criteria provided, single submitter. Criteria: CeGaT Center For Human Genetics Tuebingen Variant Classification Criteria Version 2. Collection method: clinical testing. Allele origin: germline. Affected: yes. Observed: 1 variant allele.
Comment: KMT2D: PP2, PS4:Supporting

Ambry Genetics
Classification: Likely benign for Inborn genetic diseases. Last evaluated: 2021-10-01. Review status: criteria provided, single submitter. Criteria: Ambry Variant Classification Scheme 2023. Collection method: clinical testing. Allele origin: germline.

GeneDx
Classification: Likely benign. Last evaluated: 2020-06-10. Review status: criteria provided, single submitter. Criteria: GeneDx Variant Classification Process June 2021. Collection method: clinical testing. Allele origin: germline. Affected: yes.
Comment: See Variant Classification Assertion Criteria.

Eurofins Ntd Llc (ga)
Classification: Uncertain significance. Last evaluated: 2015-09-22. Review status: criteria provided, single submitter. Criteria: EGL Classification Definitions 2015. Collection method: clinical testing. Allele origin: germline. Observed: 1 variant allele, 1 heterozygote.

NM_003482.4(KMT2D):c.1010C>T (p.Ser337Leu)

Gene: KMT2D (lysine methyltransferase 2D; minus strand). Cytogenetic location: 12q13.12.
Variant type: single nucleotide variant.
Coding change: c.1010C>T on transcript NM_003482.4 (MANE Select); coding-DNA position 1010, C replaced by T.
Protein change: p.Ser337Leu; replaces serine 337 with leucine.
Molecular consequence: missense variant.
Genome position (GRCh38, 1-based): chr12:49,053,017, G>A on the plus strand (C>T on the coding strand, the complement: KMT2D is on the minus strand). VCF-style: chr12-49053017-G-A. GRCh37 (hg19) VCF-style: chr12-49446800-G-A.
Other names: short protein forms S337L.
Identifiers: ClinVar variation 283120 (VCV000283120.38), dbSNP rs200245957, ClinGen allele CA6548597.
Genomic context (GRCh38, chr12:49,053,017, plus strand): 5'-GTCTGACCTCCCTGGGCTTTGTGACAGCGGTGACAGAGAGAGTAGTTCTCAAACCACTCC[G>A]AGTTGGGATTCAGTTCTGCTGAGCCCGCCCCACAGGCCCGGCACACCCGGCACGCCTAAG-3'
Protein context (NP_003473.3, residues 327-347): GAGSAELNPN[Ser337Leu]EWFENYSLCH